The following is an entry in ClinVar:

ClinVar aggregate classification (germline): Uncertain significance (1 of 4 stars; one submission).

Allele frequency attached by ClinVar (database versions not stated): ExAC 0.00001; gnomAD exomes 0.00001; gnomAD 0.00001; ESP Exome Variant Server 0.00008; TOPMed below 0.00001.
gnomAD v4.1: 10 of 1,614,028 alleles (0.00062%); highest among the groups gnomAD compares: Admixed American, 0.015%; no homozygotes.

Submission:

Labcorp Genetics (formerly Invitae), Labcorp
Classification: Uncertain significance. Last evaluated: 2022-07-02. Review status: criteria provided, single submitter. Criteria: Invitae Variant Classification Sherloc (09022015). Collection method: clinical testing. Allele origin: germline.
Comment: This sequence change replaces arginine, which is basic and polar, with glycine, which is neutral and non-polar, at codon 47 of the LCA5 protein (p.Arg47Gly). This variant is present in population databases (rs369372674, gnomAD 0.003%). This variant has not been reported in the literature in individuals affected with LCA5-related conditions. ClinVar contains an entry for this variant (Variation ID: 1407145). Algorithms developed to predict the effect of missense changes on protein structure and function (SIFT, PolyPhen-2, Align-GVGD) all suggest that this variant is likely to be tolerated. In summary, the available evidence is currently insufficient to determine the role of this variant in disease. Therefore, it has been classified as a Variant of Uncertain Significance.

NM_001122769.3(LCA5):c.139A>G (p.Arg47Gly)

Gene: LCA5 (lebercilin LCA5; minus strand). Cytogenetic location: 6q14.1.
Variant type: single nucleotide variant.
Coding change: c.139A>G on transcript NM_001122769.3 (MANE Select); coding-DNA position 139, A replaced by G.
Protein change: p.Arg47Gly; replaces arginine 47 with glycine.
Molecular consequence: missense variant.
Genome position (GRCh38, 1-based): chr6:79,518,756, T>C on the plus strand (A>G on the coding strand, the complement: LCA5 is on the minus strand). VCF-style: chr6-79518756-T-C. GRCh37 (hg19) VCF-style: chr6-80228473-T-C.
Other names: c.139A>G, p.Arg47Gly (NM_181714.4); short protein forms R47G.
Identifiers: ClinVar variation 1407145 (VCV001407145.3), dbSNP rs369372674, ClinGen allele CA3901204.
Genomic context (GRCh38, chr6:79,518,756, plus strand): 5'-AATGCTTACCTTGGTGATGTACTTGGCCATCTGAAGTTTGTCTTTTAGGATTTTTTCTCC[T>C]AACACTTGCAGGTGAAGAACTGACCAGCGATGATCGGCCAGAAGACTGTGGCGTTTCAAA-3'
Protein context (NP_001116241.1, residues 37-57): SLVSSSPASV[Arg47Gly]RKNPKRQTSD